The following is an entry in ClinVar:

GRCh38/hg38 11q11-12.1(chr11:55445689-57114783)x1

Genes: LINC02735 (long intergenic non-protein coding RNA 2735; plus strand), MIR6128 (microRNA 6128; plus strand), OR10AG1 (olfactory receptor family 10 subfamily AG member 1; minus strand), OR4C11 (olfactory receptor family 4 subfamily C member 11; minus strand), OR4C15 (olfactory receptor family 4 subfamily C member 15; plus strand) and 47 more. Cytogenetic location: 11q11-12.1.
Variant type: copy number loss.
Change: copy number 1 (one copy instead of two) of chr11:55,445,689-57,114,783 (1.67 Mb, GRCh38 coordinates, 1-based), cytogenetic band 11q11-12.1.
Identifiers: ClinVar variation 57245 (VCV000057245.1).

ClinVar aggregate classification (germline): Benign (1 of 4 stars; one submission).

Submission:

ISCA site 4
Classification: Benign. Last evaluated: 2011-08-12. Review status: criteria provided, single submitter. Criteria: Kaminsky et al. (Genet Med. 2011). Collection method: clinical testing. Allele origin: unknown. Affected: yes. Observed: 1 variant allele.
Comment: Copy number variation identified through the course of routine clinical cytogenomic testing in postnatal populations. Clinical assertions have been curated as described in Kaminsky et al. 2011.